The following is an entry in ClinVar:

ClinVar aggregate classification (germline): Uncertain significance. Review status: criteria provided, multiple submitters, no conflicts (2 of 4 stars). 2 submissions from 2 submitters: Uncertain significance (2). Last evaluated 2023-08-24.

Conditions:
PKD1-related disorder. Also called: PKD1-related condition.

Allele frequency attached by ClinVar (database versions not stated): gnomAD exomes below 0.00001; gnomAD 0.00001; TOPMed 0.00001.

Submissions (2):

PreventionGenetics, part of Exact Sciences
Classification: Uncertain significance for PKD1-related condition. Last evaluated: 2023-08-24. Review status: criteria provided, single submitter. Criteria: ACMG Guidelines, 2015. Collection method: clinical testing. Allele origin: germline.
Comment: The PKD1 c.9577C>G variant is predicted to result in the amino acid substitution p.Pro3193Ala. To our knowledge, this variant has not been reported in the literature. This variant is reported in 0.00090% of alleles in individuals of European (Non-Finnish) descent in gnomAD. Of note, other variants impacting the p.Pro3193 amino acid [c.9578C>T (p.Pro3193Leu), c.9577C>T (p.Pro3193Ser)], have been reported in multiple individuals with autosomal dominant polycystic kidney disease (Table S5, Audrézet et al. 2012. PubMed ID: 22508176; Supplemental Materials, Table 1, Cornec-Le Gall et al. 2013. PubMed ID: 23431072; Supplementary Table 2, Jin et al. 2016. PubMed ID: 27782177). While this variant may be pathogenic, at this time, its clinical significance is uncertain due to the absence of conclusive functional and genetic evidence.

GeneDx
Classification: Uncertain significance. Last evaluated: 2022-04-28. Review status: criteria provided, single submitter. Criteria: GeneDx Variant Classification Process June 2021. Collection method: clinical testing. Allele origin: germline. Affected: yes.
Comment: Has not been previously published as pathogenic or benign to our knowledge; Not observed at significant frequency in large population cohorts (gnomAD); In silico analysis supports that this missense variant has a deleterious effect on protein structure/function

NM_001009944.3(PKD1):c.9577C>G (p.Pro3193Ala)

Gene: PKD1 (polycystin 1, transient receptor potential channel interacting; minus strand). Cytogenetic location: 16p13.3.
Variant type: single nucleotide variant.
Coding change: c.9577C>G on transcript NM_001009944.3 (MANE Select); coding-DNA position 9577, C replaced by G.
Protein change: p.Pro3193Ala; replaces proline 3193 with alanine.
Molecular consequence: missense variant.
Genome position (GRCh38, 1-based): chr16:2,100,301, G>C on the plus strand (C>G on the coding strand, the complement: PKD1 is on the minus strand). VCF-style: chr16-2100301-G-C. GRCh37 (hg19) VCF-style: chr16-2150302-G-C.
Other names: c.9577C>G, p.Pro3193Ala (NM_000296.4); short protein forms P3193A.
Identifiers: ClinVar variation 1712577 (VCV001712577.3), dbSNP rs1296940235, ClinGen allele CA394355577.
Genomic context (GRCh38, chr16:2,100,301, plus strand): 5'-AGAAGGCGCTGCGTGCCGTCTGCAGGTCCCTGACGATGACGTGCTGCAGGAACCAGGCAG[G>C]GCTGAGCCCTGCAGAGGCGCAGGAGGGAGGTCAGGCTCGCAGGGCGCCCCAATGCGGGGG-3'
Protein context (NP_001009944.3, residues 3183-3203): RVWHDNKGLS[Pro3193Ala]AWFLQHVIVR